The following is an entry in ClinVar:

ClinVar aggregate classification (germline): Uncertain significance (1 of 4 stars; one submission).

Submission:

Women's Health and Genetics/Laboratory Corporation of America, LabCorp
Classification: Uncertain significance. Last evaluated: 2024-07-24. Review status: criteria provided, single submitter. Criteria: LabCorp Variant Classification Summary - May 2015. Collection method: clinical testing. Allele origin: germline.
Comment: Variant summary: EHMT1 c.1121A>G (p.Asp374Gly) results in a non-conservative amino acid change in the encoded protein sequence. Four of five in-silico tools predict a damaging effect of the variant on protein function. The variant was absent in 251200 control chromosomes. The available data on variant occurrences in the general population are insufficient to allow any conclusion about variant significance. To our knowledge, no occurrence of c.1121A>G in individuals affected with Kleefstra Syndrome 1 and no experimental evidence demonstrating its impact on protein function have been reported. No submitters have cited clinical-significance assessments for this variant to ClinVar. Based on the evidence outlined above, the variant was classified as uncertain significance.

NM_024757.5(EHMT1):c.1121A>G (p.Asp374Gly)

Gene: EHMT1 (euchromatic histone lysine methyltransferase 1; plus strand). Cytogenetic location: 9q34.3.
Variant type: single nucleotide variant.
Coding change: c.1121A>G on transcript NM_024757.5 (MANE Select); coding-DNA position 1121, A replaced by G.
Protein change: p.Asp374Gly; replaces aspartic acid 374 with glycine.
Molecular consequence: missense variant.
Genome position (GRCh38, 1-based): chr9:137,744,041, A>G. VCF-style: chr9-137744041-A-G. GRCh37 (hg19) VCF-style: chr9-140638493-A-G.
Other names: c.1121A>G, p.Asp374Gly (NM_001145527.2, NM_001354611.2); c.1028A>G, p.Asp343Gly (NM_001354259.2, NM_001354612.2); c.1100A>G, p.Asp367Gly (NM_001354263.2); short protein forms D343G, D367G, D374G.
Identifiers: ClinVar variation 3339357 (VCV003339357.1).